The following is an entry in ClinVar:

ClinVar aggregate classification (germline): Uncertain significance. Review status: criteria provided, multiple submitters, no conflicts (2 of 4 stars). 2 submissions from 2 submitters: Uncertain significance (2). Last evaluated 2025-11-26.

Conditions:
Polyps, multiple and recurrent inflammatory fibroid, gastrointestinal. Identifiers: MedGen C5193005, MONDO:0008285, OMIM 175510.
Gastrointestinal stromal tumor. Also called: Gastrointestinal stromal tumor, somatic; Gastrointestinal stroma tumor. Identifiers: Orphanet 44890, MedGen C0238198, MeSH D046152, MONDO:0011719, OMIM 606764, HP:0100723.

gnomAD v4.1: 1 of 1,613,958 alleles (0.000062%); highest among the groups gnomAD compares: Non-Finnish European, 0.000085%; no homozygotes.

Submissions (2):

Labcorp Genetics (formerly Invitae), Labcorp
Classification: Uncertain significance for Gastrointestinal stromal tumor. Last evaluated: 2025-11-26. Review status: criteria provided, single submitter. Criteria: Invitae Variant Classification Sherloc (09022015). Collection method: clinical testing. Allele origin: germline.
Comment: This sequence change replaces glutamic acid, which is acidic and polar, with lysine, which is basic and polar, at codon 368 of the PDGFRA protein (p.Glu368Lys). This variant is not present in population databases (gnomAD no frequency). This variant has not been reported in the literature in individuals affected with PDGFRA-related conditions. ClinVar contains an entry for this variant (Variation ID: 2677594). Invitae Evidence Modeling of protein sequence and biophysical properties (such as structural, functional, and spatial information, amino acid conservation, physicochemical variation, residue mobility, and thermodynamic stability) indicates that this missense variant is not expected to disrupt PDGFRA protein function with a negative predictive value of 80%. In summary, the available evidence is currently insufficient to determine the role of this variant in disease. Therefore, it has been classified as a Variant of Uncertain Significance.

Baylor Genetics
Classification: Uncertain significance for Polyps, multiple and recurrent inflammatory fibroid, gastrointestinal. Last evaluated: 2023-05-02. Review status: criteria provided, single submitter. Criteria: ACMG Guidelines, 2015. Collection method: clinical testing. Allele origin: unknown.

NM_006206.6(PDGFRA):c.1102G>A (p.Glu368Lys)

Gene: PDGFRA (platelet derived growth factor receptor alpha; plus strand). Cytogenetic location: 4q12.
Variant type: single nucleotide variant.
Coding change: c.1102G>A on transcript NM_006206.6 (MANE Select); coding-DNA position 1102, G replaced by A.
Protein change: p.Glu368Lys; replaces glutamic acid 368 with lysine.
Molecular consequence: missense variant.
Genome position (GRCh38, 1-based): chr4:54,267,722, G>A. VCF-style: chr4-54267722-G-A. GRCh37 (hg19) VCF-style: chr4-55133889-G-A.
Other names: c.1102G>A, p.Glu368Lys (NM_001347827.2, NM_001347829.2); c.1177G>A, p.Glu393Lys (NM_001347828.2); c.1141G>A, p.Glu381Lys (NM_001347830.2); short protein forms E368K, E381K, E393K.
Identifiers: ClinVar variation 2677594 (VCV002677594.2), dbSNP rs1357067277, ClinGen allele CA356891800.
Genomic context (GRCh38, chr4:54,267,722, plus strand): 5'-TCCTGGCTGAAAAACAATCTGACTCTGATTGAAAATCTCACTGAGATCACCACTGATGTG[G>A]AAAAGATTCAGGAAATAAGGTAAAGAAACTCTCTGCCCAAGTATGCCTTTTTTTAGTGTG-3'
Protein context (NP_006197.1, residues 358-378): ENLTEITTDV[Glu368Lys]KIQEIRYRSK